The following is an entry in ClinVar:

NM_005502.4(ABCA1):c.1895T>A (p.Phe632Tyr)

Gene: ABCA1 (ATP binding cassette subfamily A member 1; minus strand). Cytogenetic location: 9q31.1.
Variant type: single nucleotide variant.
Coding change: c.1895T>A on transcript NM_005502.4 (MANE Select); coding-DNA position 1895, T replaced by A.
Protein change: p.Phe632Tyr; replaces phenylalanine 632 with tyrosine.
Molecular consequence: missense variant.
Genome position (GRCh38, 1-based): chr9:104,829,136, A>T on the plus strand (T>A on the coding strand, the complement: ABCA1 is on the minus strand). VCF-style: chr9-104829136-A-T. GRCh37 (hg19) VCF-style: chr9-107591417-A-T.
Other names: short protein forms F632Y.
Identifiers: ClinVar variation 4869314 (VCV004869314.1).
Genomic context (GRCh38, chr9:104,829,136, plus strand): 5'-ACTGAGTAAATCCAGGCCAGCGTCATGAAGAGGGGCATTGACCGGCTCATCACCCGCAGA[A>T]AGCTGGAGGCCCCAAGGAAGGACAAGGGGAGAAAGAAAGACACACGTGAGCCAGGGTGAT-3'
Protein context (NP_005493.2, residues 622-642): MPYPCYVDDI[Phe632Tyr]LRVMSRSMPL

ClinVar aggregate classification (germline): Uncertain significance (1 of 4 stars; one submission).

Conditions:
Cardiovascular phenotype. Identifiers: MedGen CN230736.

Submission:

Ambry Genetics
Classification: Uncertain significance for Cardiovascular phenotype. Last evaluated: 2026-06-09. Review status: criteria provided, single submitter. Criteria: Ambry Variant Classification Scheme 2023. Collection method: clinical testing. Allele origin: germline.
Comment: The p.F632Y variant (also known as c.1895T>A), located in coding exon 14 of the ABCA1 gene, results from a T to A substitution at nucleotide position 1895. The phenylalanine at codon 632 is replaced by tyrosine, an amino acid with highly similar properties. This amino acid position is conserved. In addition, the in silico prediction for this alteration is inconclusive. Based on the available evidence, the clinical significance of this variant remains unclear.